The following is an entry in ClinVar:

ClinVar aggregate classification (germline): Pathogenic (1 of 4 stars; one submission).

Conditions:
Episodic kinesigenic dyskinesia (EKD). Also called: Paroxysmal kinesigenic dyskinesia. Identifiers: Orphanet 98809, MedGen C1868682, MONDO:0044202.

Submission:

Labcorp Genetics (formerly Invitae), Labcorp
Classification: Pathogenic for Episodic kinesigenic dyskinesia. Last evaluated: 2022-07-16. Review status: criteria provided, single submitter. Criteria: Invitae Variant Classification Sherloc (09022015). Collection method: clinical testing. Allele origin: germline.
Comment: For these reasons, this variant has been classified as Pathogenic. This variant has not been reported in the literature in individuals affected with PRRT2-related conditions. This variant is not present in population databases (gnomAD no frequency). This sequence change creates a premature translational stop signal (p.Val41Tyrfs*49) in the PRRT2 gene. It is expected to result in an absent or disrupted protein product. Loss-of-function variants in PRRT2 are known to be pathogenic (PMID: 22623405, 22744660).

Literature cited by the submitters: PubMed 22623405; PubMed 22744660.

NM_145239.3(PRRT2):c.121del (p.Val41fs)

Genes: MVP-DT (MVP divergent transcript; minus strand), PRRT2 (proline rich transmembrane protein 2; plus strand). Cytogenetic location: 16p11.2.
Variant type: Deletion.
Coding change: c.121del on transcript NM_145239.3 (MANE Select); coding-DNA position 121, one base deleted (G; older notation c.121delG).
Protein change: p.Val41fs; shifts the reading frame from valine 41.
Molecular consequence: frameshift variant.
Genome position (GRCh38, 1-based): chr16:29,813,175, G deleted; the last of 4 consecutive G bases (chr16:29,813,172-29,813,175); deleting any one gives the same sequence. VCF-style (leftmost placement, unchanged base first): chr16-29813171-AG-A. GRCh37 (hg19) VCF-style: chr16-29824492-AG-A.
Other names: c.121del, p.Val41fs (NM_001256442.2, NM_001256443.2); short protein forms V41fs.
Identifiers: ClinVar variation 2017723 (VCV002017723.4), dbSNP rs2543331293, ClinGen allele CA2580091445.
Genomic context (GRCh38, chr16:29,813,171, plus strand): 5'-GGTTCCAGGCGAAGGGCCTGGCCATTCTGAAGCTGAAACTGGCCCTCCCCAGGTCCTAGC[AG>A]GGGTACCAGACCAGCCAGAGGCCCCGCAGCCAGGTCCAAACACCACTGCGGCCCCTGTGG-3'